The following is an entry in ClinVar:

NM_003923.3(FOXH1):c.373A>T (p.Thr125Ser)

Gene: FOXH1 (forkhead box H1; minus strand). Cytogenetic location: 8q24.3.
Variant type: single nucleotide variant.
Coding change: c.373A>T on transcript NM_003923.3 (MANE Select); coding-DNA position 373, A replaced by T.
Protein change: p.Thr125Ser; replaces threonine 125 with serine.
Molecular consequence: missense variant.
Genome position (GRCh38, 1-based): chr8:144,474,963, T>A on the plus strand (A>T on the coding strand, the complement: FOXH1 is on the minus strand). VCF-style: chr8-144474963-T-A. GRCh37 (hg19) VCF-style: chr8-145700346-T-A.
Other names: short protein forms T125S.
Identifiers: ClinVar variation 196368 (VCV000196368.63), dbSNP rs112028242, ClinGen allele CA202333.

ClinVar aggregate classification (germline): Benign/Likely benign. Review status: criteria provided, multiple submitters, no conflicts (2 of 4 stars). 8 submissions from 8 submitters: Benign (5); Likely benign (3). Last evaluated 2026-02-01.

Conditions:
Holoprosencephaly sequence (HPE). Also called: Holoprosencephaly. Identifiers: Orphanet 2162, MedGen C0079541, MONDO:0016296, HP:0001360.

Allele frequency attached by ClinVar (database versions not stated): gnomAD exomes 0.00226 and 0.00572; gnomAD 0.02391 and 0.02245; ESP Exome Variant Server 0.02538; TOPMed 0.02549; 1000 Genomes Project 0.02656; 1000 Genomes Project 30x 0.02717; ExAC 0.00807.
gnomAD v4.1: 6,852 of 1,607,644 alleles (0.43%); highest among the groups gnomAD compares: African/African-American, 8.1%; 278 homozygotes.

Submissions (8):

Labcorp Genetics (formerly Invitae), Labcorp
Classification: Benign for Holoprosencephaly sequence. Last evaluated: 2026-02-01. Review status: criteria provided, single submitter. Criteria: Invitae Variant Classification Sherloc (09022015). Collection method: clinical testing. Allele origin: germline.

ARUP Laboratories, Molecular Genetics and Genomics, ARUP Laboratories
Classification: Benign. Last evaluated: 2023-11-29. Review status: criteria provided, single submitter. Criteria: ARUP Molecular Germline Variant Investigation Process 2024. Collection method: clinical testing. Allele origin: germline.

Women's Health and Genetics/Laboratory Corporation of America, LabCorp
Classification: Likely benign. Last evaluated: 2023-04-10. Review status: criteria provided, single submitter. Criteria: LabCorp Variant Classification Summary - May 2015. Collection method: clinical testing. Allele origin: germline.

GeneDx
Classification: Benign. Last evaluated: 2020-04-20. Review status: criteria provided, single submitter. Criteria: GeneDx Variant Classification Process June 2021. Collection method: clinical testing. Allele origin: germline. Affected: yes.

Illumina Laboratory Services, Illumina
Classification: Likely benign for Holoprosencephaly sequence. Last evaluated: 2017-04-27. Review status: criteria provided, single submitter. Criteria: ICSL Variant Classification Criteria 13 December 2019. Collection method: clinical testing. Allele origin: germline.
Comment: This variant was observed as part of a predisposition screen in an ostensibly healthy population. A literature search was performed for the gene, cDNA change, and amino acid change (where applicable). Publications were found based on this search. The evidence from the literature, in combination with allele frequency data from public databases where available, was sufficient to determine this variant is unlikely to cause disease. Therefore, this variant is classified as likely benign.

Eurofins Ntd Llc (ga)
Classification: Benign. Last evaluated: 2014-11-17. Review status: criteria provided, single submitter. Criteria: EGL Classification Definitions 2015. Collection method: clinical testing. Allele origin: germline. Observed: 1 variant allele, 1 heterozygote.

Breakthrough Genomics
Classification: Likely benign. Review status: criteria provided, single submitter. Criteria: ACMG Guidelines, 2015. Collection method: not provided. Allele origin: germline. Inheritance: Unknown mechanism. Affected: yes.

PreventionGenetics, part of Exact Sciences
Classification: Benign. Review status: criteria provided, single submitter. Criteria: ACMG Guidelines, 2015. Collection method: clinical testing. Allele origin: germline.

Literature cited by the submitters: PubMed 18538293 (cited by Illumina Laboratory Services, Illumina).